The following is an entry in ClinVar:

NM_000170.3(GLDC):c.94_121del (p.Pro32fs)

Gene: GLDC (glycine decarboxylase; minus strand). Cytogenetic location: 9p24.1.
Variant type: Deletion.
Coding change: c.94_121del on transcript NM_000170.3 (MANE Select); coding-DNA positions 94 to 121, 28 bases deleted (CCGCGGAGCCGGGACAGCAGCAGTGGCG).
Protein change: p.Pro32fs; shifts the reading frame from proline 32.
Molecular consequence: frameshift variant.
Genome position (GRCh38, 1-based): chr9:6,645,379-6,645,406, CGCCACTGCTGCTGTCCCGGCTCCGCGG deleted on the plus strand (CCGCGGAGCCGGGACAGCAGCAGTGGCG on the coding strand, the reverse complement: GLDC is on the minus strand); deleting any 28 consecutive bases within chr9:6,645,379-6,645,410 gives the same sequence; the c. name uses the placement nearest the transcript's 3' end. VCF-style (leftmost placement, unchanged base first): chr9-6645378-CCGCCACTGCTGCTGTCCCGGCTCCGCGG-C. GRCh37 (hg19) VCF-style: chr9-6645378-CCGCCACTGCTGCTGTCCCGGCTCCGCGG-C.
Other names: short protein forms P32fs.
Identifiers: ClinVar variation 2866640 (VCV002866640.3), dbSNP rs2489162680, ClinGen allele CA2739269135.

ClinVar aggregate classification (germline): Pathogenic (1 of 4 stars; one submission).

Conditions:
Glycine encephalopathy. Also called: Nonketotic hyperglycinemia; Non-ketotic hyperglycinemia. Identifiers: Orphanet 407, MedGen C0751748, MONDO:0011612, HP:0008288.

Submission:

Labcorp Genetics (formerly Invitae), Labcorp
Classification: Pathogenic for Glycine encephalopathy. Last evaluated: 2023-05-21. Review status: criteria provided, single submitter. Criteria: Invitae Variant Classification Sherloc (09022015). Collection method: clinical testing. Allele origin: germline.
Comment: This sequence change creates a premature translational stop signal (p.Pro32Alafs*50) in the GLDC gene. It is expected to result in an absent or disrupted protein product. Loss-of-function variants in GLDC are known to be pathogenic (PMID: 16601880). This variant is not present in population databases (gnomAD no frequency). For these reasons, this variant has been classified as Pathogenic. This variant has not been reported in the literature in individuals affected with GLDC-related conditions.

Literature cited by the submitters: PubMed 16601880.